The following is an entry in ClinVar:

ClinVar aggregate classification (germline): Uncertain significance (1 of 4 stars; one submission).

gnomAD v4.1: 71 of 1,614,056 alleles (0.0044%); highest among the groups gnomAD compares: African/African-American, 0.015%; no homozygotes.

Submission:

Labcorp Genetics (formerly Invitae), Labcorp
Classification: Uncertain significance. Last evaluated: 2024-11-29. Review status: criteria provided, single submitter. Criteria: Invitae Variant Classification Sherloc (09022015). Collection method: clinical testing. Allele origin: germline.
Comment: This sequence change replaces arginine, which is basic and polar, with histidine, which is basic and polar, at codon 432 of the FBN3 protein (p.Arg432His). This variant is present in population databases (rs142403623, gnomAD 0.01%). This variant has not been reported in the literature in individuals affected with FBN3-related conditions. Invitae Evidence Modeling of protein sequence and biophysical properties (such as structural, functional, and spatial information, amino acid conservation, physicochemical variation, residue mobility, and thermodynamic stability) indicates that this missense variant is not expected to disrupt FBN3 protein function with a negative predictive value of 80%. In summary, the available evidence is currently insufficient to determine the role of this variant in disease. Therefore, it has been classified as a Variant of Uncertain Significance.

NM_032447.5(FBN3):c.1295G>A (p.Arg432His)

Gene: FBN3 (fibrillin 3; minus strand). Cytogenetic location: 19p13.2.
Variant type: single nucleotide variant.
Coding change: c.1295G>A on transcript NM_032447.5 (MANE Select); coding-DNA position 1295, G replaced by A.
Protein change: p.Arg432His; replaces arginine 432 with histidine.
Molecular consequence: missense variant.
Genome position (GRCh38, 1-based): chr19:8,136,438, C>T on the plus strand (G>A on the coding strand, the complement: FBN3 is on the minus strand). VCF-style: chr19-8136438-C-T. GRCh37 (hg19) VCF-style: chr19-8201322-C-T.
Other names: c.1295G>A, p.Arg432His (NM_001321431.2); short protein forms R432H.
Identifiers: ClinVar variation 3648557 (VCV003648557.2).
Genomic context (GRCh38, chr19:8,136,438, plus strand): 5'-CGCGGCTCACCAATGCACTCGCCGCGCACGTCCTGGGTGTAGCCCACGTTACACTCGCAG[C>T]GGTAGCTGGAAGGCGTGGGCAGGCAGCGGCCATTCAGACACAGGTTGGTGAAGTGTCGGC-3'
Protein context (NP_115823.3, residues 422-442): GRCLPTPSSY[Arg432His]CECNVGYTQD